The following is an entry in ClinVar:

NM_005477.3(HCN4):c.545C>T (p.Pro182Leu)

Gene: HCN4 (hyperpolarization activated cyclic nucleotide gated potassium channel 4; minus strand). Cytogenetic location: 15q24.1.
Variant type: single nucleotide variant.
Coding change: c.545C>T on transcript NM_005477.3 (MANE Select); coding-DNA position 545, C replaced by T.
Protein change: p.Pro182Leu; replaces proline 182 with leucine.
Molecular consequence: missense variant.
Genome position (GRCh38, 1-based): chr15:73,367,726, G>A on the plus strand (C>T on the coding strand, the complement: HCN4 is on the minus strand). VCF-style: chr15-73367726-G-A. GRCh37 (hg19) VCF-style: chr15-73660067-G-A.
Other names: short protein forms P182L.
Identifiers: ClinVar variation 240171 (VCV000240171.8), dbSNP rs755904697, ClinGen allele CA7649465.

ClinVar aggregate classification (germline): Uncertain significance (1 of 4 stars; one submission).

Conditions:
Brugada syndrome 8 (BRGDA8). Identifiers: Orphanet 130, MedGen C2751083, MONDO:0013148, OMIM 613123.

Allele frequency attached by ClinVar (database versions not stated): gnomAD exomes 0.00002 and 0.00004; ExAC 0.00010.
gnomAD v4.1: 29 of 1,593,208 alleles (0.0018%); highest among the groups gnomAD compares: Non-Finnish European, 0.002%; no homozygotes.

Submission:

Labcorp Genetics (formerly Invitae), Labcorp
Classification: Uncertain significance for Brugada syndrome 8. Last evaluated: 2024-10-16. Review status: criteria provided, single submitter. Criteria: Invitae Variant Classification Sherloc (09022015). Collection method: clinical testing. Allele origin: germline.
Comment: This sequence change replaces proline, which is neutral and non-polar, with leucine, which is neutral and non-polar, at codon 182 of the HCN4 protein (p.Pro182Leu). This variant is present in population databases (rs755904697, gnomAD 0.009%). This variant has not been reported in the literature in individuals affected with HCN4-related conditions. ClinVar contains an entry for this variant (Variation ID: 240171). Invitae Evidence Modeling of protein sequence and biophysical properties (such as structural, functional, and spatial information, amino acid conservation, physicochemical variation, residue mobility, and thermodynamic stability) indicates that this missense variant is not expected to disrupt HCN4 protein function with a negative predictive value of 95%. In summary, the available evidence is currently insufficient to determine the role of this variant in disease. Therefore, it has been classified as a Variant of Uncertain Significance.